The following is an entry in ClinVar:

ClinVar aggregate classification (germline): Conflicting classifications of pathogenicity. Review status: criteria provided, conflicting classifications (1 of 4 stars). 2 submissions from 2 submitters: Likely pathogenic (1); Uncertain significance (1). Last evaluated 2025-07-09.

Conditions:
Amyloidosis, hereditary systemic 1 (AMYLD1). Also called: Familial amyloid polyneuropathy; AMYLOID CARDIOMYOPATHY; Transthyretin Amyloidosis; Hereditary oculoleptomeningeal amyloid angiopathy; Familial Transthyretin Amyloidosis; Isolated Cardiac Amyloidosis. Identifiers: Orphanet 85447, Orphanet 85451, MedGen C2751492, MONDO:0971004, OMIM 105210.

Submissions (2):

Athena Diagnostics
Classification: Uncertain significance. Last evaluated: 2025-07-09. Review status: criteria provided, single submitter. Criteria: Athena Diagnostics Criteria. Collection method: clinical testing. Allele origin: unknown.
Comment: Available data are insufficient to determine the clinical significance of the variant at this time. This variant has not been reported in large, multi-ethnic general populations. Polyphen and MutationTaster predict this amino acid change may be benign. At least one other missense variant at this codon is considered to be pathogenic or likely pathogenic, suggesting this variant may also cause disease.

Labcorp Genetics (formerly Invitae), Labcorp
Classification: Likely pathogenic for Amyloidosis, hereditary systemic 1. Last evaluated: 2024-06-22. Review status: criteria provided, single submitter. Criteria: Invitae Variant Classification Sherloc (09022015). Collection method: clinical testing. Allele origin: germline.
Comment: This sequence change replaces alanine, which is neutral and non-polar, with glycine, which is neutral and non-polar, at codon 39 of the TTR protein (p.Ala39Gly). This variant is not present in population databases (gnomAD no frequency). This variant has not been reported in the literature in individuals affected with TTR-related conditions. Advanced modeling of protein sequence and biophysical properties (such as structural, functional, and spatial information, amino acid conservation, physicochemical variation, residue mobility, and thermodynamic stability) performed at Invitae indicates that this missense variant is expected to disrupt TTR protein function with a positive predictive value of 95%. This variant disrupts the p.Ala39 amino acid residue in TTR. Other variant(s) that disrupt this residue have been determined to be pathogenic (PMID: 22106346, 24358189, 26537620, 28494620). This suggests that this residue is clinically significant, and that variants that disrupt this residue are likely to be disease-causing. In summary, the currently available evidence indicates that the variant is pathogenic, but additional data are needed to prove that conclusively. Therefore, this variant has been classified as Likely Pathogenic.

Literature cited by the submitters: PubMed 22106346 (cited by Labcorp Genetics (formerly Invitae), Labcorp); PubMed 24358189 (cited by Labcorp Genetics (formerly Invitae), Labcorp); PubMed 26537620 (cited by Labcorp Genetics (formerly Invitae), Labcorp); PubMed 28494620 (cited by Labcorp Genetics (formerly Invitae), Labcorp).

NM_000371.4(TTR):c.116C>G (p.Ala39Gly)

Gene: TTR (transthyretin; plus strand). Cytogenetic location: 18q12.1.
Variant type: single nucleotide variant.
Coding change: c.116C>G on transcript NM_000371.4 (MANE Select); coding-DNA position 116, C replaced by G.
Protein change: p.Ala39Gly; replaces alanine 39 with glycine.
Molecular consequence: missense variant.
Genome position (GRCh38, 1-based): chr18:31,592,942, C>G. VCF-style: chr18-31592942-C-G. GRCh37 (hg19) VCF-style: chr18-29172905-C-G.
Other names: short protein forms A39G.
Identifiers: ClinVar variation 3657392 (VCV003657392.3).